The following is an entry in ClinVar:

ClinVar aggregate classification (germline): Benign/Likely benign. Review status: criteria provided, multiple submitters, no conflicts (2 of 4 stars). 4 submissions from 4 submitters: Benign (1); Likely benign (3). Last evaluated 2024-05-14.

Conditions:
Hereditary cancer-predisposing syndrome. Also called: Tumor predisposition; Neoplastic Syndromes, Hereditary; Hereditary Cancer Syndrome; Hereditary neoplastic syndrome. Identifiers: Orphanet 140162, MedGen C0027672, MeSH D009386, MONDO:0015356.
Familial cancer of breast. Also called: BREAST CANCER, FAMILIAL; hereditary breast carcinoma; Hereditary breast cancer. Identifiers: Orphanet 227535, MedGen C0346153, MONDO:0016419, OMIM 114480. Disease mechanism: loss of function.
Ataxia-telangiectasia syndrome (AT). Also called: Ataxia-telangiectasia; Ataxia-telangiectasia, complementation group D; AT, COMPLEMENTATION GROUP C; LOUIS-BAR SYNDROME; Cerebello-oculocutaneous telangiectasia; Immunodeficiency with ataxia telangiectasia. Identifiers: Orphanet 100, MedGen C0004135, MONDO:0008840, OMIM 208900.

Allele frequency attached by ClinVar (database versions not stated): TOPMed 0.00001.
gnomAD v4.1: 1 of 1,613,722 alleles (0.000062%); highest among the groups gnomAD compares: Non-Finnish European, 0.000085%; no homozygotes.

Submissions (4):

Myriad Genetics, Inc.
Classification: Benign for Familial cancer of breast. Last evaluated: 2024-05-14. Review status: criteria provided, single submitter. Criteria: Myriad Autosomal Dominant, Autosomal Recessive and X-Linked Classification Criteria (2023). Collection method: clinical testing. Allele origin: unknown.
Comment: This variant is considered benign. This variant is a silent/synonymous amino acid change and it is not expected to impact splicing.

Labcorp Genetics (formerly Invitae), Labcorp
Classification: Likely benign for Ataxia-telangiectasia syndrome. Last evaluated: 2021-11-06. Review status: criteria provided, single submitter. Criteria: Invitae Variant Classification Sherloc (09022015). Collection method: clinical testing. Allele origin: germline.

Ambry Genetics
Classification: Likely benign for Hereditary cancer-predisposing syndrome. Last evaluated: 2018-12-29. Review status: criteria provided, single submitter. Criteria: Ambry Variant Classification Scheme 2023. Collection method: clinical testing. Allele origin: germline.

Color Diagnostics, LLC DBA Color Health
Classification: Likely benign for Hereditary cancer-predisposing syndrome. Last evaluated: 2016-11-22. Review status: criteria provided, single submitter. Criteria: ACMG Guidelines, 2015. Collection method: clinical testing. Allele origin: germline.

NM_000051.4(ATM):c.3495C>T (p.Ser1165=)

Gene: ATM (ATM serine/threonine kinase; plus strand). Cytogenetic location: 11q22.3.
Variant type: single nucleotide variant.
Coding change: c.3495C>T on transcript NM_000051.4 (MANE Select); coding-DNA position 3495, C replaced by T.
Protein change: p.Ser1165=; no amino-acid change (serine 1165 retained).
Molecular consequence: synonymous variant.
Genome position (GRCh38, 1-based): chr11:108,281,087, C>T. VCF-style: chr11-108281087-C-T. GRCh37 (hg19) VCF-style: chr11-108151814-C-T.
Other names: c.3495C>T, p.Ser1165= (NM_001351834.2).
Identifiers: ClinVar variation 490535 (VCV000490535.17), dbSNP rs878853505, ClinGen allele CA476672885.